The following is an entry in ClinVar:

NM_003482.4(KMT2D):c.3190G>A (p.Val1064Ile)

Gene: KMT2D (lysine methyltransferase 2D; minus strand). Cytogenetic location: 12q13.12.
Variant type: single nucleotide variant.
Coding change: c.3190G>A on transcript NM_003482.4 (MANE Select); coding-DNA position 3190, G replaced by A.
Protein change: p.Val1064Ile; replaces valine 1064 with isoleucine.
Molecular consequence: missense variant.
Genome position (GRCh38, 1-based): chr12:49,050,398, C>T on the plus strand (G>A on the coding strand, the complement: KMT2D is on the minus strand). VCF-style: chr12-49050398-C-T. GRCh37 (hg19) VCF-style: chr12-49444181-C-T.
Other names: short protein forms V1064I.
Identifiers: ClinVar variation 1254444 (VCV001254444.10), dbSNP rs755939422, ClinGen allele CA6548098.

ClinVar aggregate classification (germline): Conflicting classifications of pathogenicity. Review status: criteria provided, conflicting classifications (1 of 4 stars). 4 submissions from 4 submitters: Uncertain significance (1); Benign (1); Likely benign (2). Last evaluated 2024-12-11.

Conditions:
Kabuki syndrome 1 (KABUK1). Also called: KMT2D-Related Kabuki Syndrome. Identifiers: Orphanet 2322, MedGen CN030661, MONDO:0007843, OMIM 147920.
KMT2D-related disorder. Also called: KMT2D-Related Disorders.
Inborn genetic diseases. Identifiers: MedGen C0950123, MeSH D030342.
Kabuki syndrome. Also called: NIIKAWA-KUROKI SYNDROME; Kabuki make-up syndrome. Identifiers: Orphanet 2322, MedGen C0796004, MONDO:0016512.

Allele frequency attached by ClinVar (database versions not stated): ExAC 0.00001; gnomAD 0.00001; TOPMed 0.00001.
gnomAD v4.1: 6 of 1,613,496 alleles (0.00037%); highest among the groups gnomAD compares: Admixed American, 0.01%; no homozygotes.

Submissions (4):

Labcorp Genetics (formerly Invitae), Labcorp
Classification: Benign for Kabuki syndrome. Last evaluated: 2024-12-11. Review status: criteria provided, single submitter. Criteria: Invitae Variant Classification Sherloc (09022015). Collection method: clinical testing. Allele origin: germline.

PreventionGenetics, part of Exact Sciences
Classification: Uncertain significance for KMT2D-related condition. Last evaluated: 2023-09-08. Review status: criteria provided, single submitter. Criteria: ACMG Guidelines, 2015. Collection method: clinical testing. Allele origin: germline.
Comment: The KMT2D c.3190G>A variant is predicted to result in the amino acid substitution p.Val1064Ile. To our knowledge, this variant has not been reported in the literature. This variant is reported in 0.012% of alleles in individuals of Latino descent in gnomAD, which may be too common to be a primary cause of disease. Although we suspect that this variant may be benign, at this time, the clinical significance of this variant is uncertain due to the absence of conclusive functional and genetic evidence.

Ambry Genetics
Classification: Likely benign for Inborn genetic diseases. Last evaluated: 2021-07-26. Review status: criteria provided, single submitter. Criteria: Ambry Variant Classification Scheme 2023. Collection method: clinical testing. Allele origin: germline.

GeneDx
Classification: Likely benign. Last evaluated: 2021-02-08. Review status: criteria provided, single submitter. Criteria: GeneDx Variant Classification Process June 2021. Collection method: clinical testing. Allele origin: germline. Affected: yes.
Comment: This variant is associated with the following publications: (PMID: 32024448)